The following is an entry in ClinVar:

ClinVar aggregate classification (germline): Pathogenic/Likely pathogenic. Review status: criteria provided, multiple submitters, no conflicts (2 of 4 stars). 3 submissions from 3 submitters: Pathogenic (2); Likely pathogenic (1). Last evaluated 2025-08-13.

Conditions:
Fanconi anemia complementation group J. Also called: BRIP1-Related Fanconi Anemia. Identifiers: Orphanet 84, MedGen C1836860, MONDO:0012187, OMIM 609054.
Familial cancer of breast. Also called: hereditary breast carcinoma; Hereditary breast cancer; BREAST CANCER, FAMILIAL. Identifiers: Orphanet 227535, MedGen C0346153, MONDO:0016419, OMIM 114480. Disease mechanism: loss of function.

Submissions (3):

Labcorp Genetics (formerly Invitae), Labcorp
Classification: Pathogenic for Familial cancer of breast; Fanconi anemia complementation group J. Last evaluated: 2025-08-13. Review status: criteria provided, single submitter. Criteria: Invitae Variant Classification Sherloc (09022015). Collection method: clinical testing. Allele origin: germline.
Comment: This sequence change creates a premature translational stop signal (p.Leu438Tyrfs*12) in the BRIP1 gene. It is expected to result in an absent or disrupted protein product. Loss-of-function variants in BRIP1 are known to be pathogenic (PMID: 16116423, 17033622, 21964575). This variant is not present in population databases (gnomAD no frequency). This variant has not been reported in the literature in individuals affected with BRIP1-related conditions. ClinVar contains an entry for this variant (Variation ID: 421868). For these reasons, this variant has been classified as Pathogenic.

Myriad Genetics, Inc.
Classification: Pathogenic for Familial cancer of breast. Last evaluated: 2023-06-01. Review status: criteria provided, single submitter. Criteria: Myriad Autosomal Dominant, Autosomal Recessive and X-Linked Classification Criteria (2023). Collection method: clinical testing. Allele origin: unknown.
Comment: This variant is considered pathogenic. This variant creates a frameshift predicted to result in premature protein truncation.

GeneDx
Classification: Likely pathogenic. Last evaluated: 2016-07-27. Review status: criteria provided, single submitter. Criteria: GeneDx Variant Classification (06012015). Collection method: clinical testing. Allele origin: germline. Affected: yes.
Comment: This deletion of one nucleotide in BRIP1 is denoted c.1312delC at the cDNA level and p.Leu438TyrfsX12 (L438YfsX12) at the protein level. The normal sequence, with the base that is deleted in braces, is ACCC[C]TACG. The deletion causes a frameshift which changes a Leucine to a Tyrosine at codon 438, and creates a premature stop codon at position 12 of the new reading frame. Although this variant has not, to our knowledge, been reported in the literature, it is predicted to cause loss of normal protein function through either protein truncation or nonsense-mediated mRNA decay. Based on the currently available information, we consider this deletion to be a likely pathogenic variant.

Literature cited by the submitters: PubMed 16116423 (cited by Labcorp Genetics (formerly Invitae), Labcorp); PubMed 17033622 (cited by Labcorp Genetics (formerly Invitae), Labcorp); PubMed 21964575 (cited by Labcorp Genetics (formerly Invitae), Labcorp).

NM_032043.3(BRIP1):c.1312del (p.Leu438fs)

Gene: BRIP1 (BRCA1 interacting DNA helicase 1; minus strand). Cytogenetic location: 17q23.2.
Variant type: Deletion.
Coding change: c.1312del on transcript NM_032043.3 (MANE Select); coding-DNA position 1312, one base deleted (C; older notation c.1312delC).
Protein change: p.Leu438fs; shifts the reading frame from leucine 438.
Molecular consequence: frameshift variant.
Genome position (GRCh38, 1-based): chr17:61,799,128, G deleted on the plus strand (C on the coding strand, the reverse complement: BRIP1 is on the minus strand); the first of 4 consecutive G bases (chr17:61,799,128-61,799,131); deleting any one gives the same sequence. VCF-style (leftmost placement, unchanged base first): chr17-61799127-AG-A. GRCh37 (hg19) VCF-style: chr17-59876488-AG-A.
Other names: c.1312delC (NM_032043.2); short protein forms L438fs.
Identifiers: ClinVar variation 421868 (VCV000421868.5), dbSNP rs1064795413, ClinGen allele CA16620535.